The following is an entry in ClinVar:

ClinVar aggregate classification (germline): Uncertain significance. Review status: criteria provided, multiple submitters, no conflicts (2 of 4 stars). 5 submissions from 5 submitters: Uncertain significance (5). Last evaluated 2024-12-16.

Conditions:
CNGB1-related disorder. Also called: CNGB1-related condition.
Retinitis pigmentosa (RP). Identifiers: Orphanet 791, MedGen C0035334, MeSH D012174, MONDO:0019200, OMIM 268000. Inheritance: Autosomal dominant, autosomal recessive and X linked inheritance.

Allele frequency attached by ClinVar (database versions not stated): gnomAD exomes 0.00003; ExAC 0.00003; TOPMed 0.00007; gnomAD 0.00006.

Submissions (5):

Labcorp Genetics (formerly Invitae), Labcorp
Classification: Uncertain significance. Last evaluated: 2024-12-16. Review status: criteria provided, single submitter. Criteria: Invitae Variant Classification Sherloc (09022015). Collection method: clinical testing. Allele origin: germline.
Comment: This sequence change replaces glycine, which is neutral and non-polar, with glutamic acid, which is acidic and polar, at codon 993 of the CNGB1 protein (p.Gly993Glu). This variant is present in population databases (rs121918532, gnomAD 0.007%). This variant has not been reported in the literature in individuals affected with CNGB1-related conditions. ClinVar contains an entry for this variant (Variation ID: 93702). An algorithm developed to predict the effect of missense changes on protein structure and function (PolyPhen-2) suggests that this variant is likely to be disruptive. In summary, the available evidence is currently insufficient to determine the role of this variant in disease. Therefore, it has been classified as a Variant of Uncertain Significance.

PreventionGenetics, part of Exact Sciences
Classification: Uncertain significance for CNGB1-related condition. Last evaluated: 2024-10-30. Review status: criteria provided, single submitter. Criteria: ACMG Guidelines, 2015. Collection method: clinical testing. Allele origin: germline.
Comment: The CNGB1 c.2978G>A variant is predicted to result in the amino acid substitution p.Gly993Glu. To our knowledge, this variant has not been reported in individuals with CNGB1-related disease. This variant is reported in 0.0070% of alleles in individuals of European (Non-Finnish) descent in gnomAD. At this time, the clinical significance of this variant is uncertain due to the absence of conclusive functional and genetic evidence.

Blueprint Genetics
Classification: Uncertain significance. Last evaluated: 2024-09-24. Review status: criteria provided, single submitter. Criteria: ACMG Guidelines, 2015. Collection method: clinical testing. Allele origin: germline.

Illumina Laboratory Services, Illumina
Classification: Uncertain significance for Retinitis pigmentosa. Last evaluated: 2017-04-27. Review status: criteria provided, single submitter. Criteria: ICSL Variant Classification Criteria 13 December 2019. Collection method: clinical testing. Allele origin: germline.

Eurofins Ntd Llc (ga)
Classification: Uncertain significance. Last evaluated: 2013-11-20. Review status: criteria provided, single submitter. Criteria: EGL Classification Definitions 2015. Collection method: clinical testing. Allele origin: germline. Observed: 1 variant allele, 1 heterozygote.

NM_001297.5(CNGB1):c.2978G>A (p.Gly993Glu)

Gene: CNGB1 (cyclic nucleotide gated channel subunit beta 1; minus strand). Cytogenetic location: 16q21.
Variant type: single nucleotide variant.
Coding change: c.2978G>A on transcript NM_001297.5 (MANE Select); coding-DNA position 2978, G replaced by A.
Protein change: p.Gly993Glu; replaces glycine 993 with glutamic acid.
Molecular consequence: missense variant.
Genome position (GRCh38, 1-based): chr16:57,897,913, C>T on the plus strand (G>A on the coding strand, the complement: CNGB1 is on the minus strand). VCF-style: chr16-57897913-C-T. GRCh37 (hg19) VCF-style: chr16-57931817-C-T.
Other names: c.2960G>A, p.Gly987Glu (NM_001286130.2); short protein forms G993E, G987E.
Identifiers: ClinVar variation 93702 (VCV000093702.18), dbSNP rs121918532, ClinGen allele CA221643.